The following is an entry in ClinVar:

NM_025257.3(SLC44A4):c.1690G>A (p.Ala564Thr)

Gene: SLC44A4 (solute carrier family 44 member 4; minus strand). Cytogenetic location: 6p21.33.
Variant type: single nucleotide variant.
Coding change: c.1690G>A on transcript NM_025257.3 (MANE Select); coding-DNA position 1690, G replaced by A.
Protein change: p.Ala564Thr; replaces alanine 564 with threonine.
Molecular consequence: missense variant.
Genome position (GRCh38, 1-based): chr6:31,865,385, C>T on the plus strand (G>A on the coding strand, the complement: SLC44A4 is on the minus strand). VCF-style: chr6-31865385-C-T. GRCh37 (hg19) VCF-style: chr6-31833162-C-T.
Other names: c.1564G>A, p.Ala522Thr (NM_001178044.2); c.1462G>A, p.Ala488Thr (NM_001178045.2); short protein forms A488T, A564T, A522T.
Identifiers: ClinVar variation 1358612 (VCV001358612.8), dbSNP rs373514417, ClinGen allele CA3725317.

ClinVar aggregate classification (germline): Uncertain significance (1 of 4 stars; one submission).

Allele frequency attached by ClinVar (database versions not stated): ESP Exome Variant Server 0.00008; gnomAD 0.00012 and 0.00014; TOPMed 0.00015.
gnomAD v4.1: 41 of 1,613,890 alleles (0.0025%); highest among the groups gnomAD compares: African/African-American, 0.04%; no homozygotes.

Submission:

Labcorp Genetics (formerly Invitae), Labcorp
Classification: Uncertain significance. Last evaluated: 2024-10-23. Review status: criteria provided, single submitter. Criteria: Invitae Variant Classification Sherloc (09022015). Collection method: clinical testing. Allele origin: germline.
Comment: This sequence change replaces alanine, which is neutral and non-polar, with threonine, which is neutral and polar, at codon 564 of the SLC44A4 protein (p.Ala564Thr). This variant is present in population databases (rs373514417, gnomAD 0.04%), and has an allele count higher than expected for a pathogenic variant. This variant has not been reported in the literature in individuals affected with SLC44A4-related conditions. ClinVar contains an entry for this variant (Variation ID: 1358612). Invitae Evidence Modeling of protein sequence and biophysical properties (such as structural, functional, and spatial information, amino acid conservation, physicochemical variation, residue mobility, and thermodynamic stability) indicates that this missense variant is expected to disrupt SLC44A4 protein function with a positive predictive value of 80%. In summary, the available evidence is currently insufficient to determine the role of this variant in disease. Therefore, it has been classified as a Variant of Uncertain Significance.